The following is an entry in ClinVar:

ClinVar aggregate classification (germline): Uncertain significance. Review status: criteria provided, multiple submitters, no conflicts (2 of 4 stars). 2 submissions from 2 submitters: Uncertain significance (2). Last evaluated 2025-02-11.

Conditions:
Inborn genetic diseases. Identifiers: MedGen C0950123, MeSH D030342.

gnomAD v4.1: 8 of 1,549,708 alleles (0.00052%); highest among the groups gnomAD compares: African/African-American, 0.0014%; no homozygotes.

Submissions (2):

Ambry Genetics
Classification: Uncertain significance for Inborn genetic diseases. Last evaluated: 2025-02-11. Review status: criteria provided, single submitter. Criteria: Ambry Variant Classification Scheme 2023. Collection method: clinical testing. Allele origin: germline.

CeGaT Center for Human Genetics Tuebingen
Classification: Uncertain significance. Last evaluated: 2024-07-01. Review status: criteria provided, single submitter. Criteria: CeGaT Center For Human Genetics Tuebingen Variant Classification Criteria Version 2. Collection method: clinical testing. Allele origin: germline. Affected: yes. Observed: 1 variant allele.
Comment: SETD1B: PM2:Supporting, PP2, BP4

NM_001353345.2(SETD1B):c.3319G>A (p.Asp1107Asn)

Gene: SETD1B (SET domain containing 1B, histone lysine methyltransferase; plus strand). Cytogenetic location: 12q24.31.
Variant type: single nucleotide variant.
Coding change: c.3319G>A on transcript NM_001353345.2 (MANE Select); coding-DNA position 3319, G replaced by A.
Protein change: p.Asp1107Asn; replaces aspartic acid 1107 with asparagine.
Molecular consequence: missense variant.
Genome position (GRCh38, 1-based): chr12:121,817,805, G>A. VCF-style: chr12-121817805-G-A. GRCh37 (hg19) VCF-style: chr12-122255711-G-A.
Other names: NM_015048.1:c.3190G>A; short protein forms D1107N.
Identifiers: ClinVar variation 3257223 (VCV003257223.18).
Genomic context (GRCh38, chr12:121,817,805, plus strand): 5'-CGACGAGGGCCAGACCCTTCGGCTCACCTGTCCCCACTCTTCCTTCTCCCCCAGGATGAC[G>A]ACGATGACGACAGTGATGACCGGGACGAGTCTGAGAACGATGACGAGGACACAGCCCTGT-3'
Protein context (NP_001340274.1, residues 1097-1117): STSSTSDKDD[Asp1107Asn]DDDSDDRDES